The following is an entry in ClinVar:

ClinVar aggregate classification (germline): Pathogenic (1 of 4 stars; one submission).

Allele frequency attached by ClinVar (database versions not stated): gnomAD exomes below 0.00001.

Submission:

Labcorp Genetics (formerly Invitae), Labcorp
Classification: Pathogenic. Last evaluated: 2022-05-12. Review status: criteria provided, single submitter. Criteria: Invitae Variant Classification Sherloc (09022015). Collection method: clinical testing. Allele origin: germline.
Comment: For these reasons, this variant has been classified as Pathogenic. This sequence change creates a premature translational stop signal (p.Thr426Glnfs*73) in the CDC45 gene. It is expected to result in an absent or disrupted protein product. Loss-of-function variants in CDC45 are known to be pathogenic (PMID: 27374770, 30986546). This variant is not present in population databases (gnomAD no frequency). This variant has not been reported in the literature in individuals affected with CDC45-related conditions.

Literature cited by the submitters: PubMed 27374770; PubMed 30986546.

NM_003504.5(CDC45):c.1180del (p.Thr394fs)

Gene: CDC45 (cell division cycle 45; plus strand). Cytogenetic location: 22q11.21.
Variant type: Deletion.
Coding change: c.1180del on transcript NM_003504.5 (MANE Select); coding-DNA position 1180, one base deleted (A; older notation c.1180delA).
Protein change: p.Thr394fs; shifts the reading frame from threonine 394.
Molecular consequence: frameshift variant. On other transcripts: non-coding transcript variant (1).
Genome position (GRCh38, 1-based): chr22:19,508,654, A deleted. VCF-style (leftmost placement, unchanged base first): chr22-19508653-GA-G. GRCh37 (hg19) VCF-style: chr22-19496176-GA-G.
Other names: c.1276del, p.Thr426fs (NM_001178010.2); c.1042del, p.Thr348fs (NM_001178011.2); c.1144del, p.Thr382fs (NM_001369291.1); short protein forms T348fs, T394fs, T382fs, T426fs.
Identifiers: ClinVar variation 2085627 (VCV002085627.4), dbSNP rs2517658835, ClinGen allele CA2580099089.